The following is an entry in ClinVar:

ClinVar aggregate classification (germline): Pathogenic (1 of 4 stars; one submission).

Conditions:
Fabry disease. Also called: ALPHA-GALACTOSIDASE A DEFICIENCY; ANDERSON-FABRY DISEASE; CERAMIDE TRIHEXOSIDASE DEFICIENCY; GLA DEFICIENCY; HEREDITARY DYSTOPIC LIPIDOSIS; Angiokeratoma corporis diffusum. Identifiers: Orphanet 324, MedGen C0002986, MONDO:0010526, OMIM 301500, HP:0001071. Disease mechanism: Fabry disease is due to inactivating mutations in the X-linked GLA gene resulting in deficiency of the enzyme Alpha Galactosidase-A., loss of function.

Submission:

Genomenon, Inc
Classification: Pathogenic for Fabry disease. Last evaluated: 2026-09-08. Review status: criteria provided, single submitter. Criteria: Genomenon Sequence Variant Interpretation Standards - Updated. Collection method: curation. Allele origin: germline. Affected: yes.
Comment: GLA p.Leu106Arg (c.317T>G) is a missense variant that changes the amino acid at codon 106 from Leucine to Arginine. This variant has been observed in at least one proband with clinical features consistent with Fabry disease (PMID:30733880;17100396;35722479). The variant was found to segregate with disease in at least one affected family (PMID:17100396). At least one functional study has demonstrated a substantial alteration in protein function relative to the wild-type (PMID:27657681). It is absent or not present at a significant frequency in gnomAD. In silico models predict that this variant is possibly or probably damaging. In conclusion, we classify GLA p.Leu106Arg (c.317T>G) as a pathogenic variant.

Literature cited by the submitters: PubMed 30733880; PubMed 17100396; PubMed 35722479; PubMed 27657681.

NM_000169.3(GLA):c.317T>G (p.Leu106Arg)

Genes: GLA (galactosidase alpha; minus strand), RPL36A-HNRNPH2 (RPL36A-HNRNPH2 readthrough; plus strand). Cytogenetic location: Xq22.1.
Variant type: single nucleotide variant.
Coding change: c.317T>G on transcript NM_000169.3 (MANE Select); coding-DNA position 317, T replaced by G.
Protein change: p.Leu106Arg; replaces leucine 106 with arginine.
Molecular consequence: missense variant. On other transcripts: non-coding transcript variant (3), intron variant (2).
Genome position (GRCh38, 1-based): chrX:101,403,863, A>C on the plus strand (T>G on the coding strand, the complement: GLA is on the minus strand). VCF-style: chrX-101403863-A-C. GRCh37 (hg19) VCF-style: chrX-100658851-A-C.
Other names: c.440T>G, p.Leu147Arg (NM_001406747.1, NM_001406749.1); c.317T>G, p.Leu106Arg (NM_001406748.1); c.301-8073A>C (NM_001199973.2); c.178-8073A>C (NM_001199974.2); short protein forms L106R, L147R.
Identifiers: ClinVar variation 4087339 (VCV004087339.2).